The following is an entry in ClinVar:

ClinVar aggregate classification (germline): Uncertain significance (1 of 4 stars; one submission).

Conditions:
GLUT1 deficiency syndrome 1, autosomal recessive. Identifiers: MedGen C3149117.

Allele frequency attached by ClinVar (database versions not stated): gnomAD exomes below 0.00001.
gnomAD v4.1: 1 of 1,614,166 alleles (0.000062%); highest among the groups gnomAD compares: South Asian, 0.0011%; no homozygotes.

Submission:

Labcorp Genetics (formerly Invitae), Labcorp
Classification: Uncertain significance for GLUT1 deficiency syndrome 1, autosomal recessive. Last evaluated: 2022-12-09. Review status: criteria provided, single submitter. Criteria: Invitae Variant Classification Sherloc (09022015). Collection method: clinical testing. Allele origin: germline.
Comment: This sequence change replaces phenylalanine, which is neutral and non-polar, with leucine, which is neutral and non-polar, at codon 206 of the SLC2A1 protein (p.Phe206Leu). In summary, the available evidence is currently insufficient to determine the role of this variant in disease. Therefore, it has been classified as a Variant of Uncertain Significance. Algorithms developed to predict the effect of missense changes on protein structure and function output the following: SIFT: "Tolerated"; PolyPhen-2: "Benign"; Align-GVGD: "Class C0". The leucine amino acid residue is found in multiple mammalian species, which suggests that this missense change does not adversely affect protein function. This variant has not been reported in the literature in individuals affected with SLC2A1-related conditions. The frequency data for this variant in the population databases is considered unreliable, as metrics indicate poor data quality at this position in the gnomAD database.

NM_006516.4(SLC2A1):c.616T>C (p.Phe206Leu)

Gene: SLC2A1 (solute carrier family 2 member 1; minus strand). Cytogenetic location: 1p34.2.
Variant type: single nucleotide variant.
Coding change: c.616T>C on transcript NM_006516.4 (MANE Select); coding-DNA position 616, T replaced by C.
Protein change: p.Phe206Leu; replaces phenylalanine 206 with leucine.
Molecular consequence: missense variant.
Genome position (GRCh38, 1-based): chr1:42,929,936, A>G on the plus strand (T>C on the coding strand, the complement: SLC2A1 is on the minus strand). VCF-style: chr1-42929936-A-G. GRCh37 (hg19) VCF-style: chr1-43395607-A-G.
Other names: short protein forms F206L.
Identifiers: ClinVar variation 2187819 (VCV002187819.4), dbSNP rs1304291329, ClinGen allele CA339958587.